The following is an entry in ClinVar:

ClinVar aggregate classification (germline): Likely benign. Review status: criteria provided, multiple submitters, no conflicts (2 of 4 stars). 4 submissions from 4 submitters: Likely benign (4). Last evaluated 2026-07-01.

Conditions:
Ullrich congenital muscular dystrophy 2 (UCMD2). Identifiers: Orphanet 75840, MedGen C4225314, MONDO:0014654, OMIM 616470.
Bethlem myopathy 2 (BTHLM2). Identifiers: Orphanet 536516, Orphanet 610, MedGen C4225313, MONDO:0034022, OMIM 616471.

Allele frequency attached by ClinVar (database versions not stated): gnomAD exomes 0.00002 and 0.00006; ExAC 0.00003; gnomAD 0.00004; ESP Exome Variant Server 0.00008.
gnomAD v4.1: 103 of 1,613,642 alleles (0.0064%); highest among the groups gnomAD compares: Non-Finnish European, 0.0077%; no homozygotes.

Submissions (4):

CeGaT Center for Human Genetics Tuebingen
Classification: Likely benign. Last evaluated: 2026-07-01. Review status: criteria provided, single submitter. Criteria: CeGaT Center For Human Genetics Tuebingen Variant Classification Criteria Version 2. Collection method: clinical testing. Allele origin: germline. Affected: yes. Observed: 1 variant allele.
Comment: COL12A1: BP4, BP7

Women's Health and Genetics/Laboratory Corporation of America, LabCorp
Classification: Likely benign. Last evaluated: 2026-03-23. Review status: criteria provided, single submitter. Criteria: LabCorp Variant Classification Summary - May 2015. Collection method: clinical testing. Allele origin: germline.

Labcorp Genetics (formerly Invitae), Labcorp
Classification: Likely benign for Bethlem myopathy 2; Ullrich congenital muscular dystrophy 2. Last evaluated: 2025-10-05. Review status: criteria provided, single submitter. Criteria: Invitae Variant Classification Sherloc (09022015). Collection method: clinical testing. Allele origin: germline.

Fulgent Genetics
Classification: Likely benign for Ullrich congenital muscular dystrophy 2; Bethlem myopathy 2. Last evaluated: 2021-08-03. Review status: criteria provided, single submitter. Criteria: ACMG Guidelines, 2015. Collection method: clinical testing. Allele origin: unknown.

NM_004370.6(COL12A1):c.5340G>A (p.Val1780=)

Gene: COL12A1 (collagen type XII alpha 1 chain; minus strand). Cytogenetic location: 6q13.
Variant type: single nucleotide variant.
Coding change: c.5340G>A on transcript NM_004370.6 (MANE Select); coding-DNA position 5340, G replaced by A.
Protein change: p.Val1780=; no amino-acid change (valine 1780 retained).
Molecular consequence: synonymous variant.
Genome position (GRCh38, 1-based): chr6:75,137,491, C>T on the plus strand (G>A on the coding strand, the complement: COL12A1 is on the minus strand). VCF-style: chr6-75137491-C-T. GRCh37 (hg19) VCF-style: chr6-75847207-C-T.
Other names: c.1848G>A, p.Val616= (NM_080645.3).
Identifiers: ClinVar variation 705878 (VCV000705878.14), dbSNP rs371016672, ClinGen allele CA3893160.